The following is an entry in ClinVar:

ClinVar aggregate classification (germline): Uncertain significance (1 of 4 stars; one submission).

Conditions:
Desbuquois dysplasia 1 (DBQD1). Also called: MICROMELIC DWARFISM WITH VERTEBRAL AND METAPHYSEAL ABNORMALITIES AND ADVANCED CARPOTARSAL OSSIFICATION; DESBUQUOIS DYSPLASIA 1, KIM VARIANT. Identifiers: Orphanet 1425, MedGen C4012146, MONDO:0009629, OMIM 251450.

Allele frequency attached by ClinVar (database versions not stated): gnomAD exomes 0.00001; ExAC 0.00002; gnomAD 0.00003 and 0.00004; TOPMed 0.00003; ESP Exome Variant Server 0.00008.
gnomAD v4.1: 23 of 1,611,508 alleles (0.0014%); highest among the groups gnomAD compares: East Asian, 0.013%; no homozygotes.

Submission:

Labcorp Genetics (formerly Invitae), Labcorp
Classification: Uncertain significance for Desbuquois dysplasia 1. Last evaluated: 2021-05-03. Review status: criteria provided, single submitter. Criteria: Invitae Variant Classification Sherloc (09022015). Collection method: clinical testing. Allele origin: germline.
Comment: This sequence change replaces threonine with methionine at codon 898 of the XYLT1 protein (p.Thr898Met). The threonine residue is moderately conserved and there is a moderate physicochemical difference between threonine and methionine. This variant is present in population databases (rs368097793, ExAC 0.01%). In summary, the available evidence is currently insufficient to determine the role of this variant in disease. Therefore, it has been classified as a Variant of Uncertain Significance. Algorithms developed to predict the effect of missense changes on protein structure and function are either unavailable or do not agree on the potential impact of this missense change (SIFT: "Tolerated"; PolyPhen-2: "Possibly Damaging"; Align-GVGD: "Class C0"). This variant has not been reported in the literature in individuals with XYLT1-related conditions.

NM_022166.4(XYLT1):c.2693C>T (p.Thr898Met)

Gene: XYLT1 (xylosyltransferase 1; minus strand). Cytogenetic location: 16p12.3.
Variant type: single nucleotide variant.
Coding change: c.2693C>T on transcript NM_022166.4 (MANE Select); coding-DNA position 2693, C replaced by T.
Protein change: p.Thr898Met; replaces threonine 898 with methionine.
Molecular consequence: missense variant.
Genome position (GRCh38, 1-based): chr16:17,108,882, G>A on the plus strand (C>T on the coding strand, the complement: XYLT1 is on the minus strand). VCF-style: chr16-17108882-G-A. GRCh37 (hg19) VCF-style: chr16-17202739-G-A.
Other names: short protein forms T898M.
Identifiers: ClinVar variation 1396853 (VCV001396853.6), dbSNP rs368097793, ClinGen allele CA7927502.